The following is an entry in ClinVar:

NM_001009999.3(KDM1A):c.756G>T (p.Glu252Asp)

Gene: KDM1A (lysine demethylase 1A; plus strand). Cytogenetic location: 1p36.12.
Variant type: single nucleotide variant.
Coding change: c.756G>T on transcript NM_001009999.3 (MANE Select); coding-DNA position 756, G replaced by T.
Protein change: p.Glu252Asp; replaces glutamic acid 252 with aspartic acid.
Molecular consequence: missense variant.
Genome position (GRCh38, 1-based): chr1:23,053,805, G>T. VCF-style: chr1-23053805-G-T. GRCh37 (hg19) VCF-style: chr1-23380298-G-T.
Other names: c.696G>T, p.Glu232Asp (NM_001363654.2, NM_001410763.1, NM_015013.4); c.756G>T, p.Glu252Asp (NM_001410762.1); short protein forms E232D, E252D.
Identifiers: ClinVar variation 5023081 (VCV005023081.1).
Genomic context (GRCh38, chr1:23,053,805, plus strand): 5'-TGTCATTTAAATGCAGCTGCAGTTGTGGTTGGATAATCCAAAGATTCAGCTGACATTTGA[G>T]GCTACTCTCCAACAATTAGAAGCACCTTATAACAGTAAGTAGTGTGTTCAATAGGACTAA-3'
Protein context (NP_001009999.1, residues 242-262): LDNPKIQLTF[Glu252Asp]ATLQQLEAPY

ClinVar aggregate classification (germline): Uncertain significance (1 of 4 stars; one submission).

Conditions:
Inborn genetic diseases. Identifiers: MedGen C0950123, MeSH D030342.

Submission:

Ambry Genetics
Classification: Uncertain significance for Inborn genetic diseases. Last evaluated: 2026-07-30. Review status: criteria provided, single submitter. Criteria: Ambry Variant Classification Scheme 2023. Collection method: clinical testing. Allele origin: germline.
Comment: The p.E252D variant (also known as c.756G>T), located in coding exon 5 of the KDM1A gene, results from a G to T substitution at nucleotide position 756. The glutamic acid at codon 252 is replaced by aspartic acid, an amino acid with highly similar properties. This amino acid position is conserved. In addition, this alteration is predicted to be tolerated by in silico analysis. Based on the available evidence, the clinical significance of this variant remains unclear.